The following is an entry in ClinVar:

ClinVar aggregate classification (germline): Conflicting classifications of pathogenicity. Review status: criteria provided, conflicting classifications (1 of 4 stars). 4 submissions from 4 submitters: Uncertain significance (3); Likely benign (1). Last evaluated 2024-03-07.

Conditions:
Hereditary cancer-predisposing syndrome. Also called: Tumor predisposition; Hereditary neoplastic syndrome; Hereditary Cancer Syndrome; Neoplastic Syndromes, Hereditary. Identifiers: Orphanet 140162, MedGen C0027672, MeSH D009386, MONDO:0015356.
Hereditary breast ovarian cancer syndrome. Also called: BRCA1- and BRCA2-Associated Hereditary Breast and Ovarian Cancer; Hereditary breast and ovarian cancer; Hereditary breast and/or ovarian cancer syndrome; Hereditary breast and ovarian cancer syndrome; Hereditary breast and ovarian cancer syndrome (HBOC); Breast and ovarian cancer. Identifiers: Orphanet 145, MedGen C0677776, MeSH D061325, MONDO:0003582. Disease mechanism: loss of function.

Submissions (4):

Color Diagnostics, LLC DBA Color Health
Classification: Uncertain significance for Hereditary cancer-predisposing syndrome. Last evaluated: 2024-03-07. Review status: criteria provided, single submitter. Criteria: ACMG Guidelines, 2015. Collection method: clinical testing. Allele origin: germline.
Comment: This missense variant replaces glutamic acid with lysine at codon 1441 of the BRCA2 protein. Computational prediction is inconclusive regarding the impact of this variant on protein structure and function (internally defined REVEL score threshold 0.5 < inconclusive < 0.7, PMID: 27666373). To our knowledge, functional studies have not been reported for this variant. This variant has not been reported in individuals affected with hereditary cancer in the literature. This variant has not been identified in the general population by the Genome Aggregation Database (gnomAD). The available evidence is insufficient to determine the role of this variant in disease conclusively. Therefore, this variant is classified as a Variant of Uncertain Significance.

Labcorp Genetics (formerly Invitae), Labcorp
Classification: Uncertain significance for Hereditary breast ovarian cancer syndrome. Last evaluated: 2023-04-24. Review status: criteria provided, single submitter. Criteria: Invitae Variant Classification Sherloc (09022015). Collection method: clinical testing. Allele origin: germline.
Comment: In summary, the available evidence is currently insufficient to determine the role of this variant in disease. Therefore, it has been classified as a Variant of Uncertain Significance. Advanced modeling of protein sequence and biophysical properties (such as structural, functional, and spatial information, amino acid conservation, physicochemical variation, residue mobility, and thermodynamic stability) performed at Invitae indicates that this missense variant is not expected to disrupt BRCA2 protein function. ClinVar contains an entry for this variant (Variation ID: 962929). This variant has not been reported in the literature in individuals affected with BRCA2-related conditions. This variant is not present in population databases (gnomAD no frequency). This sequence change replaces glutamic acid, which is acidic and polar, with lysine, which is basic and polar, at codon 1441 of the BRCA2 protein (p.Glu1441Lys).

University of Washington Department of Laboratory Medicine, University of Washington
Classification: Likely benign for Hereditary cancer-predisposing syndrome. Last evaluated: 2023-03-23. Review status: criteria provided, single submitter. Criteria: Dines et al. (Genet Med. 2020). Collection method: curation. Allele origin: germline.
Comment: Missense variant in a coldspot region where missense variants are very unlikely to be pathogenic (PMID:31911673).

BRCA2 exon 11 coldspot. Reclassification based on statistical prior probability.

Ambry Genetics
Classification: Uncertain significance for Hereditary cancer-predisposing syndrome. Last evaluated: 2022-09-28. Review status: criteria provided, single submitter. Criteria: Ambry Variant Classification Scheme 2023. Collection method: clinical testing. Allele origin: germline.
Comment: The p.E1441K variant (also known as c.4321G>A), located in coding exon 10 of the BRCA2 gene, results from a G to A substitution at nucleotide position 4321. The glutamic acid at codon 1441 is replaced by lysine, an amino acid with similar properties. This amino acid position is conserved. In addition, the in silico prediction for this alteration is inconclusive. Since supporting evidence is limited at this time, the clinical significance of this alteration remains unclear.

NM_000059.4(BRCA2):c.4321G>A (p.Glu1441Lys)

Gene: BRCA2 (BRCA2 DNA repair associated; plus strand). Cytogenetic location: 13q13.1.
Variant type: single nucleotide variant.
Coding change: c.4321G>A on transcript NM_000059.4 (MANE Select); coding-DNA position 4321, G replaced by A.
Protein change: p.Glu1441Lys; replaces glutamic acid 1441 with lysine.
Molecular consequence: missense variant.
Genome position (GRCh38, 1-based): chr13:32,338,676, G>A. VCF-style: chr13-32338676-G-A. GRCh37 (hg19) VCF-style: chr13-32912813-G-A.
Other names: short protein forms E1441K.
Identifiers: ClinVar variation 962929 (VCV000962929.14), dbSNP rs876659758, ClinGen allele CA387780820.